The following is an entry in ClinVar:

ClinVar aggregate classification (germline): Uncertain significance (1 of 4 stars; one submission).

Conditions:
Ullrich congenital muscular dystrophy 2 (UCMD2). Identifiers: Orphanet 75840, MedGen C4225314, MONDO:0014654, OMIM 616470.
Bethlem myopathy 2 (BTHLM2). Identifiers: Orphanet 536516, Orphanet 610, MedGen C4225313, MONDO:0034022, OMIM 616471.

Submission:

Labcorp Genetics (formerly Invitae), Labcorp
Classification: Uncertain significance for Bethlem myopathy 2; Ullrich congenital muscular dystrophy 2. Last evaluated: 2023-12-06. Review status: criteria provided, single submitter. Criteria: Invitae Variant Classification Sherloc (09022015). Collection method: clinical testing. Allele origin: germline.
Comment: This sequence change replaces histidine, which is basic and polar, with asparagine, which is neutral and polar, at codon 1256 of the COL12A1 protein (p.His1256Asn). This variant is not present in population databases (gnomAD no frequency). This variant has not been reported in the literature in individuals affected with COL12A1-related conditions. Advanced modeling of protein sequence and biophysical properties (such as structural, functional, and spatial information, amino acid conservation, physicochemical variation, residue mobility, and thermodynamic stability) performed at Invitae indicates that this missense variant is not expected to disrupt COL12A1 protein function with a negative predictive value of 80%. In summary, the available evidence is currently insufficient to determine the role of this variant in disease. Therefore, it has been classified as a Variant of Uncertain Significance.

NM_004370.6(COL12A1):c.3766C>A (p.His1256Asn)

Gene: COL12A1 (collagen type XII alpha 1 chain; minus strand). Cytogenetic location: 6q13.
Variant type: single nucleotide variant.
Coding change: c.3766C>A on transcript NM_004370.6 (MANE Select); coding-DNA position 3766, C replaced by A.
Protein change: p.His1256Asn; replaces histidine 1256 with asparagine.
Molecular consequence: missense variant.
Genome position (GRCh38, 1-based): chr6:75,152,200, G>T on the plus strand (C>A on the coding strand, the complement: COL12A1 is on the minus strand). VCF-style: chr6-75152200-G-T. GRCh37 (hg19) VCF-style: chr6-75861916-G-T.
Other names: c.274C>A, p.His92Asn (NM_080645.3, NM_001424116.1); c.3493C>A, p.His1165Asn (NM_001424115.1); c.3766C>A, p.His1256Asn (NM_001424113.1, NM_001424114.1); short protein forms H1256N, H1165N, H92N.
Identifiers: ClinVar variation 2939047 (VCV002939047.3), dbSNP rs2533400726, ClinGen allele CA364749416.
Genomic context (GRCh38, chr6:75,152,200, plus strand): 5'-TATTGCCTCCTTTGTACGGCAAGTTTGCCACAGCTTGCAACAAGCTCTTCTTGTCTCTGT[G>T]TGCATTTAACTGCCACTCTGTTCTGGGATCCCCACTATACTGAGCAAGAGCTAAAATGAC-3'
Protein context (NP_004361.3, residues 1246-1266): DPRTEWQLNA[His1256Asn]RDKKSLLQAV